The following is an entry in ClinVar:

ClinVar aggregate classification (germline): Uncertain significance (1 of 4 stars; one submission).

Conditions:
Hereditary cancer-predisposing syndrome. Also called: Neoplastic Syndromes, Hereditary; Tumor predisposition; Hereditary Cancer Syndrome; Hereditary neoplastic syndrome. Identifiers: Orphanet 140162, MedGen C0027672, MeSH D009386, MONDO:0015356.

Allele frequency attached by ClinVar (database versions not stated): gnomAD exomes below 0.00001.

Submission:

Ambry Genetics
Classification: Uncertain significance for Hereditary cancer-predisposing syndrome. Last evaluated: 2026-04-03. Review status: criteria provided, single submitter. Criteria: Ambry Variant Classification Scheme 2023. Collection method: clinical testing. Allele origin: germline.
Comment: The p.Q149P variant (also known as c.446A>C), located in coding exon 5 of the SDHB gene, results from an A to C substitution at nucleotide position 446. The glutamine at codon 149 is replaced by proline, an amino acid with similar properties. This amino acid position is conserved. In addition, this alteration is predicted to be deleterious by in silico analysis. Since supporting evidence is limited at this time, the clinical significance of this alteration remains unclear.

NM_003000.3(SDHB):c.446A>C (p.Gln149Pro)

Gene: SDHB (succinate dehydrogenase complex iron sulfur subunit B; minus strand). Cytogenetic location: 1p36.13.
Variant type: single nucleotide variant.
Coding change: c.446A>C on transcript NM_003000.3 (MANE Select); coding-DNA position 446, A replaced by C.
Protein change: p.Gln149Pro; replaces glutamine 149 with proline.
Molecular consequence: missense variant.
Genome position (GRCh38, 1-based): chr1:17,027,843, T>G on the plus strand (A>C on the coding strand, the complement: SDHB is on the minus strand). VCF-style: chr1-17027843-T-G. GRCh37 (hg19) VCF-style: chr1-17354338-T-G.
Other names: c.392A>C, p.Gln131Pro (NM_001407361.1); short protein forms Q131P, Q149P.
Identifiers: ClinVar variation 3223010 (VCV003223010.2), dbSNP rs1570947984, ClinGen allele CA338273303.
Genomic context (GRCh38, chr1:17,027,843, plus strand): 5'-TGCTGCTTGCCTTCCTGAGATTCATCCTTCTTCTTCAAATAAGGCTCAATGGATTTGTAC[T>G]GTGCATAGAAGTTGCTCAAATCCTGTGGTTAAGAGGAAGAAGAAGAAGAAGAAGAAGAAA-3'
Protein context (NP_002991.2, residues 139-159): LVPDLSNFYA[Gln149Pro]YKSIEPYLKK